The following is an entry in ClinVar:

ClinVar aggregate classification (germline): Likely benign. Review status: criteria provided, multiple submitters, no conflicts (2 of 4 stars). 3 submissions from 3 submitters: Likely benign (3). Last evaluated 2024-12-07.

Conditions:
Inborn genetic diseases. Identifiers: MedGen C0950123, MeSH D030342.
Baller-Gerold syndrome (BGS). Also called: CRANIOSYNOSTOSIS WITH RADIAL DEFECTS. Identifiers: Orphanet 1225, MedGen C0265308, MONDO:0009039, OMIM 218600.

gnomAD v4.1: 10 of 1,609,684 alleles (0.00062%); highest among the groups gnomAD compares: East Asian, 0.0045%; no homozygotes.

Submissions (3):

Ambry Genetics
Classification: Likely benign for Inborn genetic diseases. Last evaluated: 2024-12-07. Review status: criteria provided, single submitter. Criteria: Ambry Variant Classification Scheme 2023. Collection method: clinical testing. Allele origin: germline.

CeGaT Center for Human Genetics Tuebingen
Classification: Likely benign. Last evaluated: 2023-08-01. Review status: criteria provided, single submitter. Criteria: CeGaT Center For Human Genetics Tuebingen Variant Classification Criteria Version 2. Collection method: clinical testing. Allele origin: germline. Affected: yes. Observed: 1 variant allele.
Comment: RECQL4: BP4, BP7

Labcorp Genetics (formerly Invitae), Labcorp
Classification: Likely benign for Baller-Gerold syndrome. Last evaluated: 2023-02-03. Review status: criteria provided, single submitter. Criteria: Invitae Variant Classification Sherloc (09022015). Collection method: clinical testing. Allele origin: germline.

NM_004260.4(RECQL4):c.3219C>T (p.Thr1073=)

Gene: RECQL4 (RecQ like helicase 4; minus strand). Cytogenetic location: 8q24.3.
Variant type: single nucleotide variant.
Coding change: c.3219C>T on transcript NM_004260.4 (MANE Select); coding-DNA position 3219, C replaced by T.
Protein change: p.Thr1073=; no amino-acid change (threonine 1073 retained).
Molecular consequence: synonymous variant.
Genome position (GRCh38, 1-based): chr8:144,512,161, G>A on the plus strand (C>T on the coding strand, the complement: RECQL4 is on the minus strand). VCF-style: chr8-144512161-G-A. GRCh37 (hg19) VCF-style: chr8-145737544-G-A.
Other names: c.3219C>T (NM_004260.3).
Identifiers: ClinVar variation 1120638 (VCV001120638.32), dbSNP rs769367312, ClinGen allele CA463566344.